The following is an entry in ClinVar:

NM_001379200.1(TBX1):c.1421C>T (p.Ala474Val)

Gene: TBX1 (T-box transcription factor 1; plus strand). Cytogenetic location: 22q11.21.
Variant type: single nucleotide variant.
Coding change: c.1421C>T on transcript NM_001379200.1 (MANE Select); coding-DNA position 1421, C replaced by T.
Protein change: p.Ala474Val; replaces alanine 474 with valine.
Molecular consequence: missense variant. On other transcripts: intron variant (2).
Genome position (GRCh38, 1-based): chr22:19,766,773, C>T. VCF-style: chr22-19766773-C-T. GRCh37 (hg19) VCF-style: chr22-19754296-C-T.
Other names: c.1394C>T, p.Ala465Val (NM_080647.1); c.1009+771C>T (NM_005992.1, NM_080646.2); short protein forms A474V, A465V.
Identifiers: ClinVar variation 1771594 (VCV001771594.7), dbSNP rs757452865, ClinGen allele CA10102756.

ClinVar aggregate classification (germline): Uncertain significance. Review status: criteria provided, multiple submitters, no conflicts (2 of 4 stars). 2 submissions from 2 submitters: Uncertain significance (2). Last evaluated 2025-12-27.

Conditions:
Cardiovascular phenotype. Identifiers: MedGen CN230736.
DiGeorge syndrome. Also called: Catch22; THIRD AND FOURTH PHARYNGEAL POUCH SYNDROME. Identifiers: Orphanet 567, MedGen C0012236, MONDO:0008564, OMIM 188400.

Allele frequency attached by ClinVar (database versions not stated): gnomAD 0.00001; gnomAD exomes 0.00001; TOPMed 0.00002; ExAC 0.00009.
gnomAD v4.1: 9 of 1,458,754 alleles (0.00062%); highest among the groups gnomAD compares: Admixed American, 0.022%; no homozygotes.

Submissions (2):

Labcorp Genetics (formerly Invitae), Labcorp
Classification: Uncertain significance for DiGeorge syndrome. Last evaluated: 2025-12-27. Review status: criteria provided, single submitter. Criteria: Invitae Variant Classification Sherloc (09022015). Collection method: clinical testing. Allele origin: germline.
Comment: This sequence change replaces alanine, which is neutral and non-polar, with valine, which is neutral and non-polar, at codon 465 of the TBX1 protein (p.Ala465Val). The frequency data for this variant in the population databases is considered unreliable, as metrics indicate poor data quality at this position in the gnomAD database. This variant has not been reported in the literature in individuals affected with TBX1-related conditions. ClinVar contains an entry for this variant (Variation ID: 1771594). An algorithm developed to predict the effect of missense changes on protein structure and function (PolyPhen-2) suggests that this variant is likely to be tolerated. In summary, the available evidence is currently insufficient to determine the role of this variant in disease. Therefore, it has been classified as a Variant of Uncertain Significance.

Ambry Genetics
Classification: Uncertain significance for Cardiovascular phenotype. Last evaluated: 2023-10-08. Review status: criteria provided, single submitter. Criteria: Ambry Variant Classification Scheme 2023. Collection method: clinical testing. Allele origin: germline.
Comment: The p.A465V variant (also known as c.1394C>T), located in coding exon 8 of the TBX1 gene, results from a C to T substitution at nucleotide position 1394. The alanine at codon 465 is replaced by valine, an amino acid with similar properties. This amino acid position is conserved. In addition, this alteration is predicted to be tolerated by in silico analysis. Since supporting evidence is limited at this time, the clinical significance of this alteration remains unclear.